The following is an entry in ClinVar:

NM_006231.4(POLE):c.6387_6389del (p.Leu2130del)

Gene: POLE (DNA polymerase epsilon, catalytic subunit; minus strand). Cytogenetic location: 12q24.33.
Variant type: Deletion.
Coding change: c.6387_6389del on transcript NM_006231.4 (MANE Select); coding-DNA positions 6387 to 6389, 3 bases deleted (GCT; older notation c.6387_6389delGCT).
Protein change: p.Leu2130del; deletes leucine 2130.
Molecular consequence: inframe deletion.
Genome position (GRCh38, 1-based): chr12:132,626,259-132,626,261, AGC deleted on the plus strand (GCT on the coding strand, the reverse complement: POLE is on the minus strand); deleting any 3 consecutive bases within chr12:132,626,259-132,626,263 gives the same sequence; the c. name uses the placement nearest the transcript's 3' end. VCF-style (leftmost placement, unchanged base first): chr12-132626258-AAGC-A. GRCh37 (hg19) VCF-style: chr12-133202844-AAGC-A.
Other names: c.6387_6389delGCT (NM_006231.2); short protein forms L2130del.
Identifiers: ClinVar variation 1486228 (VCV001486228.9), dbSNP rs2138432050, ClinGen allele CA2573148141.
Genomic context (GRCh38, chr12:132,626,258, plus strand): 5'-GGAGCGGCAGGGGTCTCGGAACTGGGCCTCCTCGGAGAACTCGCCGACATCCACCAGGCG[AAGC>A]AGGTCTCGGTTCAGCTTATTCACCTGGTTTGTGATGTTGGTGTCCAGGGACAGCACCTGC-3'

ClinVar aggregate classification (germline): Uncertain significance. Review status: criteria provided, multiple submitters, no conflicts (2 of 4 stars). 2 submissions from 2 submitters: Uncertain significance (2). Last evaluated 2025-09-17.

Conditions:
Hereditary cancer-predisposing syndrome. Also called: Hereditary neoplastic syndrome; Neoplastic Syndromes, Hereditary; Hereditary Cancer Syndrome; Tumor predisposition. Identifiers: Orphanet 140162, MedGen C0027672, MeSH D009386, MONDO:0015356.

Submissions (2):

Labcorp Genetics (formerly Invitae), Labcorp
Classification: Uncertain significance. Last evaluated: 2025-09-17. Review status: criteria provided, single submitter. Criteria: Invitae Variant Classification Sherloc (09022015). Collection method: clinical testing. Allele origin: germline.
Comment: This variant, c.6387_6389del, results in the deletion of 1 amino acid(s) of the POLE protein (p.Leu2130del), but otherwise preserves the integrity of the reading frame. This variant is not present in population databases (gnomAD no frequency). This variant has not been reported in the literature in individuals affected with POLE-related conditions. ClinVar contains an entry for this variant (Variation ID: 1486228). Experimental studies and prediction algorithms are not available or were not evaluated, and the functional significance of this variant is currently unknown. In summary, the available evidence is currently insufficient to determine the role of this variant in disease. Therefore, it has been classified as a Variant of Uncertain Significance.

Ambry Genetics
Classification: Uncertain significance for Hereditary cancer-predisposing syndrome. Last evaluated: 2025-08-08. Review status: criteria provided, single submitter. Criteria: Ambry Variant Classification Scheme 2023. Collection method: clinical testing. Allele origin: germline.
Comment: The c.6387_6389delGCT variant (also known as p.L2130del) is located in coding exon 46 of the POLE gene. This variant results from an in-frame GCT deletion at nucleotide positions 6387 to 6389. This results in the in-frame deletion of a leucine at codon 2130. This amino acid position is highly conserved in available vertebrate species. In addition, this variant is predicted to be deleteriousl by in silico analysis (Choi Y et al. PLoS ONE. 2012; 7(10):e46688). Based on the available evidence, the clinical significance of this variant remains unclear.